The following is an entry in ClinVar:

NM_001195248.2(APTX):c.431C>A (p.Ser144Tyr)

Gene: APTX (aprataxin; minus strand). Cytogenetic location: 9p21.1.
Variant type: single nucleotide variant.
Coding change: c.431C>A on transcript NM_001195248.2 (MANE Select); coding-DNA position 431, C replaced by A.
Protein change: p.Ser144Tyr; replaces serine 144 with tyrosine.
Molecular consequence: missense variant. On other transcripts: non-coding transcript variant (13), intron variant (1).
Genome position (GRCh38, 1-based): chr9:32,987,596, G>T on the plus strand (C>A on the coding strand, the complement: APTX is on the minus strand). VCF-style: chr9-32987596-G-T. GRCh37 (hg19) VCF-style: chr9-32987594-G-T.
Other names: p.S144Y:TCT>TAT; c.431C>A, p.Ser144Tyr (NM_001195249.2, NM_001195251.2, NM_001368995.1 and 6 more transcripts); c.269C>A, p.Ser90Tyr (NM_001195250.2, NM_001195254.2, NM_001369000.1 and 1 more transcripts); c.167C>A, p.Ser56Tyr (NM_001369002.1, NM_001369003.1, NM_001369004.1 and 5 more transcripts); c.267+164C>A (NM_001195252.2); short protein forms S144Y, S56Y, S90Y.
Identifiers: ClinVar variation 136414 (VCV000136414.67), dbSNP rs34778324, ClinGen allele CA303022.

ClinVar aggregate classification (germline): Benign/Likely benign. Review status: criteria provided, multiple submitters, no conflicts (2 of 4 stars). 13 submissions from 13 submitters: Benign (7); Likely benign (3). 3 of the submissions do not count toward it. Last evaluated 2026-09-01.

Conditions:
Ataxia, early-onset, with oculomotor apraxia and hypoalbuminemia (EAOH). Also called: ATAXIA-OCULOMOTOR APRAXIA SYNDROME; ATAXIA-TELANGIECTASIA-LIKE SYNDROME; Ataxia-oculomotor apraxia type 1. Identifiers: Orphanet 1168, MedGen C1859598, MONDO:0008842, OMIM 208920.

Allele frequency attached by ClinVar (database versions not stated): 1000 Genomes Project 0.00459; 1000 Genomes Project 30x 0.00484; gnomAD 0.00544 and 0.00568; gnomAD exomes 0.00562 and 0.00803; ExAC 0.00575; ESP Exome Variant Server 0.00584; TOPMed 0.00591.
gnomAD v4.1: 12,496 of 1,614,140 alleles (0.77%); highest among the groups gnomAD compares: Non-Finnish European, 0.96%; 56 homozygotes.

Submissions (13):

CeGaT Center for Human Genetics Tuebingen
Classification: Likely benign. Last evaluated: 2026-09-01. Review status: criteria provided, single submitter. Criteria: CeGaT Center For Human Genetics Tuebingen Variant Classification Criteria Version 2. Collection method: clinical testing. Allele origin: germline. Affected: yes. Observed: 38 variant alleles.
Comment: APTX: BS2

Labcorp Genetics (formerly Invitae), Labcorp
Classification: Benign. Last evaluated: 2026-01-26. Review status: criteria provided, single submitter. Criteria: Invitae Variant Classification Sherloc (09022015). Collection method: clinical testing. Allele origin: germline.

Athena Diagnostics
Classification: Benign. Last evaluated: 2025-11-07. Review status: criteria provided, single submitter. Criteria: Athena Diagnostics Criteria. Collection method: clinical testing. Allele origin: unknown.
Comment: The frequency of this variant in the general population is higher than would generally be expected for pathogenic variants in this gene.

Institute for Genomic Medicine (IGM) Clinical Laboratory, Nationwide Children's Hospital
Classification: Benign. Last evaluated: 2017-05-09. Review status: criteria provided, single submitter. Criteria: ACMG Guidelines, 2015. Collection method: clinical testing. Allele origin: germline.
Comment: BS1,BS2,BP6; This alteration has an allele frequency that is greater than expected for the associated disease, was seen in a healthy adult where full penetrance of the disorder is expected at an early age, and was reported as a benign/likely benign alteration by a reputable source (ClinVar or other correspondence from a clinical testing laboratory).

Illumina Laboratory Services, Illumina
Classification: Benign for Ataxia, early-onset, with oculomotor apraxia and hypoalbuminemia. Last evaluated: 2017-04-27. Review status: criteria provided, single submitter. Criteria: ICSL Variant Classification Criteria 13 December 2019. Collection method: clinical testing. Allele origin: germline.
Comment: This variant was observed as part of a predisposition screen in an ostensibly healthy population. A literature search was performed for the gene, cDNA change, and amino acid change (where applicable). Publications were found based on this search. The evidence from the literature, in combination with allele frequency data from public databases where available, was sufficient to rule this variant out of causing disease. Therefore, this variant is classified as benign.

Center for Pediatric Genomic Medicine, Children's Mercy Hospital and Clinics
Classification: Likely benign. Last evaluated: 2016-08-01. Review status: criteria provided, single submitter. Criteria: ACMG Guidelines, 2015. Collection method: clinical testing. Allele origin: germline.
ClinVar note: Converted during submission from Likely Benign to Likely benign.

Eurofins Ntd Llc (ga)
Classification: Benign. Last evaluated: 2014-12-02. Review status: criteria provided, single submitter. Criteria: EGL Classification Definitions 2015. Collection method: clinical testing. Allele origin: germline. Observed: 1 variant allele, 1 heterozygote.

GeneDx
Classification: Benign. Last evaluated: 2014-03-03. Review status: criteria provided, single submitter. Criteria: GeneDx Variant Classification (06012015). Collection method: clinical testing. Allele origin: germline. Affected: yes.
Comment: This variant is considered likely benign or benign based on one or more of the following criteria: it is a conservative change, it occurs at a poorly conserved position in the protein, it is predicted to be benign by multiple in silico algorithms, and/or has population frequency not consistent with disease.

Breakthrough Genomics
Classification: Likely benign. Review status: criteria provided, single submitter. Criteria: ACMG Guidelines, 2015. Collection method: not provided. Allele origin: germline. Inheritance: Autosomal recessive inheritance. Affected: yes.

PreventionGenetics, part of Exact Sciences
Classification: Benign. Review status: criteria provided, single submitter. Criteria: ACMG Guidelines, 2015. Collection method: clinical testing. Allele origin: germline.

Mayo Clinic Laboratories, Mayo Clinic
Classification: Likely benign. Last evaluated: 2016-03-14. Review status: no assertion criteria provided. Collection method: clinical testing. Allele origin: unknown. Not counted in ClinVar's aggregate classification.

Clinical Genetics, Academic Medical Center
Classification: Benign. Review status: no assertion criteria provided. Collection method: clinical testing. Allele origin: germline. Affected: yes. Study: VKGL Data-share Consensus. Not counted in ClinVar's aggregate classification.

Genome Diagnostics Laboratory, University Medical Center Utrecht
Classification: Benign. Review status: no assertion criteria provided. Collection method: clinical testing. Allele origin: germline. Affected: yes. Study: VKGL Data-share Consensus. Not counted in ClinVar's aggregate classification.

Literature cited by the submitters: PubMed 15164193 (cited by Athena Diagnostics and Illumina Laboratory Services, Illumina); PubMed 15596775 (cited by Athena Diagnostics and Illumina Laboratory Services, Illumina); PubMed 23659632 (cited by Illumina Laboratory Services, Illumina).